The following is an entry in ClinVar:

NM_001376.5(DYNC1H1):c.13515+3G>A

Gene: DYNC1H1 (dynein cytoplasmic 1 heavy chain 1; plus strand). Cytogenetic location: 14q32.31.
Variant type: single nucleotide variant.
Coding change: c.13515+3G>A on transcript NM_001376.5 (MANE Select); 3 bases into the intron after coding-DNA position 13515, G replaced by A.
Molecular consequence: intron variant.
Genome position (GRCh38, 1-based): chr14:102,049,585, G>A. VCF-style: chr14-102049585-G-A. GRCh37 (hg19) VCF-style: chr14-102515922-G-A.
Identifiers: ClinVar variation 963916 (VCV000963916.7), dbSNP rs2048775565, ClinGen allele CA1139663755.

ClinVar aggregate classification (germline): Uncertain significance (1 of 4 stars; one submission).

Conditions:
Charcot-Marie-Tooth disease axonal type 2O. Also called: Charcot-Marie-Tooth Neuropathy Type 2O; Charcot-Marie-Tooth disease, axonal, type 20; CHARCOT-MARIE-TOOTH NEUROPATHY, AXONAL, TYPE 2O; CHARCOT-MARIE-TOOTH DISEASE, AXONAL, AUTOSOMAL DOMINANT, TYPE 2O. Identifiers: Orphanet 284232, MedGen C3280220, MONDO:0013644, OMIM 614228.

gnomAD v4.1: 1 of 1,614,012 alleles (0.000062%); highest among the groups gnomAD compares: Non-Finnish European, 0.000085%; no homozygotes.

Submission:

Labcorp Genetics (formerly Invitae), Labcorp
Classification: Uncertain significance for Charcot-Marie-Tooth disease axonal type 2O. Last evaluated: 2024-05-22. Review status: criteria provided, single submitter. Criteria: Invitae Variant Classification Sherloc (09022015). Collection method: clinical testing. Allele origin: germline.
Comment: This sequence change falls in intron 75 of the DYNC1H1 gene. It does not directly change the encoded amino acid sequence of the DYNC1H1 protein. It affects a nucleotide within the consensus splice site. This variant is not present in population databases (gnomAD no frequency). This variant has not been reported in the literature in individuals affected with DYNC1H1-related conditions. ClinVar contains an entry for this variant (Variation ID: 963916). Variants that disrupt the consensus splice site are a relatively common cause of aberrant splicing (PMID: 17576681, 9536098). Algorithms developed to predict the effect of sequence changes on RNA splicing suggest that this variant is not likely to affect RNA splicing. In summary, the available evidence is currently insufficient to determine the role of this variant in disease. Therefore, it has been classified as a Variant of Uncertain Significance.

Literature cited by the submitters: PubMed 17576681; PubMed 9536098.